The following is an entry in ClinVar:

NM_031220.4(PITPNM3):c.712G>A (p.Glu238Lys)

Gene: PITPNM3 (PITPNM family member 3; minus strand). Cytogenetic location: 17p13.2.
Variant type: single nucleotide variant.
Coding change: c.712G>A on transcript NM_031220.4 (MANE Select); coding-DNA position 712, G replaced by A.
Protein change: p.Glu238Lys; replaces glutamic acid 238 with lysine.
Molecular consequence: missense variant.
Genome position (GRCh38, 1-based): chr17:6,478,612, C>T on the plus strand (G>A on the coding strand, the complement: PITPNM3 is on the minus strand). VCF-style: chr17-6478612-C-T. GRCh37 (hg19) VCF-style: chr17-6381932-C-T.
Other names: c.604G>A, p.Glu202Lys (NM_001165966.2); short protein forms E202K, E238K.
Identifiers: ClinVar variation 1512929 (VCV001512929.8), dbSNP rs754722804, ClinGen allele CA8329763.

ClinVar aggregate classification (germline): Uncertain significance (1 of 4 stars; one submission).

Allele frequency attached by ClinVar (database versions not stated): gnomAD 0.00001; gnomAD exomes 0.00001; TOPMed 0.00001; ExAC 0.00002.

Submission:

Labcorp Genetics (formerly Invitae), Labcorp
Classification: Uncertain significance. Last evaluated: 2021-01-28. Review status: criteria provided, single submitter. Criteria: Invitae Variant Classification Sherloc (09022015). Collection method: clinical testing. Allele origin: germline.
Comment: This sequence change replaces glutamic acid with lysine at codon 238 of the PITPNM3 protein (p.Glu238Lys). The glutamic acid residue is moderately conserved and there is a small physicochemical difference between glutamic acid and lysine. This variant is present in population databases (rs754722804, ExAC 0.006%). This variant has not been reported in the literature in individuals with PITPNM3-related conditions. Algorithms developed to predict the effect of missense changes on protein structure and function output the following: SIFT: "Tolerated"; PolyPhen-2: "Benign"; Align-GVGD: "Class C0". The lysine amino acid residue is found in multiple mammalian species, suggesting that this missense change does not adversely affect protein function. These predictions have not been confirmed by published functional studies and their clinical significance is uncertain. In summary, the available evidence is currently insufficient to determine the role of this variant in disease. Therefore, it has been classified as a Variant of Uncertain Significance.